The following is an entry in ClinVar:

NM_005560.6(LAMA5):c.3218G>A (p.Arg1073Gln)

Gene: LAMA5 (laminin subunit alpha 5; minus strand). Cytogenetic location: 20q13.33.
Variant type: single nucleotide variant.
Coding change: c.3218G>A on transcript NM_005560.6 (MANE Select); coding-DNA position 3218, G replaced by A.
Protein change: p.Arg1073Gln; replaces arginine 1073 with glutamine.
Molecular consequence: missense variant.
Genome position (GRCh38, 1-based): chr20:62,333,154, C>T on the plus strand (G>A on the coding strand, the complement: LAMA5 is on the minus strand). VCF-style: chr20-62333154-C-T. GRCh37 (hg19) VCF-style: chr20-60908210-C-T.
Other names: c.3218G>A (NM_005560.4, NM_005560.3); short protein forms R1073Q.
Identifiers: ClinVar variation 1963831 (VCV001963831.6), dbSNP rs752949328, ClinGen allele CA9943104.

ClinVar aggregate classification (germline): Conflicting classifications of pathogenicity. Review status: criteria provided, conflicting classifications (1 of 4 stars). 3 submissions from 3 submitters: Uncertain significance (2); Likely benign (1). Last evaluated 2024-06-12.

Conditions:
LAMA5-related disorder. Also called: LAMA5-Related Disorders; LAMA5-related condition.
Inborn genetic diseases. Identifiers: MedGen C0950123, MeSH D030342.

Allele frequency attached by ClinVar (database versions not stated): gnomAD exomes below 0.00001; TOPMed below 0.00001; gnomAD 0.00001; ExAC 0.00002.
gnomAD v4.1: 7 of 1,514,240 alleles (0.00046%); highest among the groups gnomAD compares: East Asian, 0.0068%; no homozygotes.

Submissions (3):

Ambry Genetics
Classification: Likely benign for Inborn genetic diseases. Last evaluated: 2024-06-12. Review status: criteria provided, single submitter. Criteria: Ambry Variant Classification Scheme 2023. Collection method: clinical testing. Allele origin: germline.

Labcorp Genetics (formerly Invitae), Labcorp
Classification: Uncertain significance. Last evaluated: 2024-02-16. Review status: criteria provided, single submitter. Criteria: Invitae Variant Classification Sherloc (09022015). Collection method: clinical testing. Allele origin: germline.
Comment: This sequence change replaces arginine, which is basic and polar, with glutamine, which is neutral and polar, at codon 1073 of the LAMA5 protein (p.Arg1073Gln). This variant is present in population databases (rs752949328, gnomAD 0.007%). This variant has not been reported in the literature in individuals affected with LAMA5-related conditions. ClinVar contains an entry for this variant (Variation ID: 1963831). Algorithms developed to predict the effect of missense changes on protein structure and function output the following: SIFT: "Not Available"; PolyPhen-2: "Benign"; Align-GVGD: "Not Available". The glutamine amino acid residue is found in multiple mammalian species, which suggests that this missense change does not adversely affect protein function. In summary, the available evidence is currently insufficient to determine the role of this variant in disease. Therefore, it has been classified as a Variant of Uncertain Significance.

PreventionGenetics, part of Exact Sciences
Classification: Uncertain significance for LAMA5-related condition. Last evaluated: 2022-12-20. Review status: criteria provided, single submitter. Criteria: ACMG Guidelines, 2015. Collection method: clinical testing. Allele origin: germline.
Comment: The LAMA5 c.3218G>A variant is predicted to result in the amino acid substitution p.Arg1073Gln. To our knowledge, this variant has not been reported in the literature. This variant is reported in 0.0067% of alleles in individuals of East Asian descent in gnomAD. At this time, the clinical significance of this variant is uncertain due to the absence of conclusive functional and genetic evidence.